The following is an entry in ClinVar:

NM_021147.5(CCNO):c.160G>A (p.Asp54Asn)

Gene: CCNO (cyclin O; minus strand). Cytogenetic location: 5q11.2.
Variant type: single nucleotide variant.
Coding change: c.160G>A on transcript NM_021147.5 (MANE Select); coding-DNA position 160, G replaced by A.
Protein change: p.Asp54Asn; replaces aspartic acid 54 with asparagine.
Molecular consequence: missense variant. On other transcripts: non-coding transcript variant (2).
Genome position (GRCh38, 1-based): chr5:55,233,364, C>T on the plus strand (G>A on the coding strand, the complement: CCNO is on the minus strand). VCF-style: chr5-55233364-C-T. GRCh37 (hg19) VCF-style: chr5-54529192-C-T.
Other names: short protein forms D54N.
Identifiers: ClinVar variation 1037948 (VCV001037948.9), dbSNP rs1745658924, ClinGen allele CA359725313.

ClinVar aggregate classification (germline): Uncertain significance (1 of 4 stars; one submission).

Conditions:
Primary ciliary dyskinesia. Also called: Ciliary dyskinesia. Identifiers: Orphanet 244, MedGen C0008780, MONDO:0016575, HP:0012265.

Submission:

Labcorp Genetics (formerly Invitae), Labcorp
Classification: Uncertain significance for Primary ciliary dyskinesia. Last evaluated: 2026-01-28. Review status: criteria provided, single submitter. Criteria: Invitae Variant Classification Sherloc (09022015). Collection method: clinical testing. Allele origin: germline.
Comment: This sequence change replaces aspartic acid, which is acidic and polar, with asparagine, which is neutral and polar, at codon 54 of the CCNO protein (p.Asp54Asn). This variant is not present in population databases (gnomAD no frequency). This variant has not been reported in the literature in individuals affected with CCNO-related conditions. ClinVar contains an entry for this variant (Variation ID: 1037948). An algorithm developed to predict the effect of missense changes on protein structure and function (PolyPhen-2) suggests that this variant is likely to be disruptive. In summary, the available evidence is currently insufficient to determine the role of this variant in disease. Therefore, it has been classified as a Variant of Uncertain Significance.